The following is an entry in ClinVar:

NM_022369.4(STRA6):c.*222G>A

Gene: STRA6 (signaling receptor and transporter of retinol STRA6; minus strand). Cytogenetic location: 15q24.1.
Variant type: single nucleotide variant.
Coding change: c.*222G>A on transcript NM_022369.4 (MANE Select); 222 bases downstream of the stop codon, G replaced by A.
Molecular consequence: 3 prime UTR variant.
Genome position (GRCh38, 1-based): chr15:74,179,858, C>T on the plus strand (G>A on the coding strand, the complement: STRA6 is on the minus strand). VCF-style: chr15-74179858-C-T. GRCh37 (hg19) VCF-style: chr15-74472199-C-T.
Other names: c.*222G>A (NM_001142617.2, NM_001142618.2, NM_001142619.2 and 3 more transcripts).
Identifiers: ClinVar variation 317085 (VCV000317085.7), dbSNP rs10910, ClinGen allele CA10647390.

ClinVar aggregate classification (germline): Benign. Review status: criteria provided, multiple submitters, no conflicts (2 of 4 stars). 3 submissions from 3 submitters: Benign (3). Last evaluated 2018-06-19.

Conditions:
Microphthalmia, syndromic 9. Also called: ANOPHTHALMIA, CLINICAL, WITH MILD FACIAL DYSMORPHISM AND VARIABLE MALFORMATIONS OF THE LUNG, HEART, AND DIAPHRAGM; ANOPHTHALMIA/MICROPHTHALMIA AND PULMONARY HYPOPLASIA; Matthew-Wood syndrome; PULMONARY AGENESIS, MICROPHTHALMIA, AND DIAPHRAGMATIC DEFECT; SPEAR SYNDROME. Identifiers: Orphanet 2470, MedGen C1832661, MONDO:0011010, OMIM 601186.

Allele frequency attached by ClinVar (database versions not stated): 1000 Genomes Project 30x 0.52873; 1000 Genomes Project 0.53275; gnomAD 0.56107 and 0.56780; TOPMed 0.56497; gnomAD exomes 0.66481.
gnomAD v4.1: 376,100 of 588,096 alleles (64%); highest among the groups gnomAD compares: Middle Eastern, 81%; 125,133 homozygotes.

Submissions (3):

GeneDx
Classification: Benign. Last evaluated: 2018-06-19. Review status: criteria provided, single submitter. Criteria: GeneDx Variant Classification Process June 2021. Collection method: clinical testing. Allele origin: germline. Affected: yes.

Illumina Laboratory Services, Illumina
Classification: Benign for Microphthalmia, syndromic 9. Last evaluated: 2018-01-13. Review status: criteria provided, single submitter. Criteria: ICSL Variant Classification Criteria 13 December 2019. Collection method: clinical testing. Allele origin: germline.
Comment: This variant was observed in the ICSL laboratory as part of a predisposition screen in an ostensibly healthy population. It had not been previously curated by ICSL or reported in the Human Gene Mutation Database (HGMD: prior to June 1st, 2018), and was therefore a candidate for classification through an automated scoring system. Utilizing variant allele frequency, disease prevalence and penetrance estimates, and inheritance mode, an automated score was calculated to assess if this variant is too frequent to cause the disease. Based on the score and internal cut-off values, a variant classified as benign is not then subjected to further curation. The score for this variant resulted in a classification of benign for this disease.

Breakthrough Genomics
Classification: Benign. Review status: criteria provided, single submitter. Criteria: ACMG Guidelines, 2015. Collection method: not provided. Allele origin: germline. Inheritance: Autosomal recessive inheritance. Affected: yes.